The following is an entry in ClinVar:

ClinVar aggregate classification (germline): Uncertain significance. Review status: criteria provided, multiple submitters, no conflicts (2 of 4 stars). 2 submissions from 2 submitters: Uncertain significance (2). Last evaluated 2024-10-02.

Allele frequency attached by ClinVar (database versions not stated): TOPMed 0.00003; gnomAD 0.00005.
gnomAD v4.1: 9 of 1,588,422 alleles (0.00057%); highest among the groups gnomAD compares: Admixed American, 0.013%; no homozygotes.

Submissions (2):

Labcorp Genetics (formerly Invitae), Labcorp
Classification: Uncertain significance for Combined immunodeficiency due to DOCK8 deficiency. Last evaluated: 2024-10-02. Review status: criteria provided, single submitter. Criteria: Invitae Variant Classification Sherloc (09022015). Collection method: clinical testing. Allele origin: germline.
Comment: This sequence change falls in intron 19 of the DOCK8 gene. It does not directly change the encoded amino acid sequence of the DOCK8 protein. It affects a nucleotide within the consensus splice site. The frequency data for this variant in the population databases is considered unreliable, as metrics indicate poor data quality at this position in the gnomAD database. This variant has not been reported in the literature in individuals affected with DOCK8-related conditions. ClinVar contains an entry for this variant (Variation ID: 1373790). Variants that disrupt the consensus splice site are a relatively common cause of aberrant splicing (PMID: 17576681, 9536098). Algorithms developed to predict the effect of sequence changes on RNA splicing suggest that this variant is not likely to affect RNA splicing. In summary, the available evidence is currently insufficient to determine the role of this variant in disease. Therefore, it has been classified as a Variant of Uncertain Significance.

Women's Health and Genetics/Laboratory Corporation of America, LabCorp
Classification: Uncertain significance. Last evaluated: 2024-01-11. Review status: criteria provided, single submitter. Criteria: LabCorp Variant Classification Summary - May 2015. Collection method: clinical testing. Allele origin: germline.

Literature cited by the submitters: PubMed 17576681 (cited by Labcorp Genetics (formerly Invitae), Labcorp); PubMed 9536098 (cited by Labcorp Genetics (formerly Invitae), Labcorp).

NM_203447.4(DOCK8):c.2205+6G>C

Gene: DOCK8 (dedicator of cytokinesis 8; plus strand). Cytogenetic location: 9p24.3.
Variant type: single nucleotide variant.
Coding change: c.2205+6G>C on transcript NM_203447.4 (MANE Select); 6 bases into the intron after coding-DNA position 2205, G replaced by C.
Molecular consequence: intron variant.
Genome position (GRCh38, 1-based): chr9:376,311, G>C. VCF-style: chr9-376311-G-C. GRCh37 (hg19) VCF-style: chr9-376311-G-C.
Other names: c.2001+6G>C (NM_001193536.2, NM_001190458.2).
Identifiers: ClinVar variation 1373790 (VCV001373790.5), dbSNP rs1386347360, ClinGen allele CA585877208.